The following is an entry in ClinVar:

NM_033380.3(COL4A5):c.3295_3299del (p.Ser1099fs)

Gene: COL4A5 (collagen type IV alpha 5 chain; plus strand). Cytogenetic location: Xq22.3.
Variant type: Deletion.
Coding change: c.3295_3299del on transcript NM_033380.3 (MANE Select); coding-DNA positions 3295 to 3299, 5 bases deleted (TCTGT; older notation c.3295_3299delTCTGT).
Protein change: p.Ser1099fs; shifts the reading frame from serine 1099.
Molecular consequence: frameshift variant.
Genome position (GRCh38, 1-based): chrX:108,655,379-108,655,383, TCTGT deleted; deleting any 5 consecutive bases within chrX:108,655,377-108,655,383 gives the same sequence; the c. name uses the placement nearest the transcript's 3' end. VCF-style (leftmost placement, unchanged base first): chrX-108655376-GGTTCT-G. GRCh37 (hg19) VCF-style: chrX-107898606-GGTTCT-G.
Other names: c.3295_3299del, p.Ser1099fs (NM_000495.5); short protein forms S1099fs.
Identifiers: ClinVar variation 2633477 (VCV002633477.1), dbSNP rs2524531360, ClinGen allele CA2695197174.

ClinVar aggregate classification (germline): Pathogenic (1 of 4 stars; one submission).

Conditions:
COL4A5-related disorder. Also called: COL4A5-related condition.

Submission:

PreventionGenetics, part of Exact Sciences
Classification: Pathogenic for COL4A5-related condition. Last evaluated: 2023-03-23. Review status: criteria provided, single submitter. Criteria: ACMG Guidelines, 2015. Collection method: clinical testing. Allele origin: germline.
Comment: The COL4A5 c.3295_3299del5 variant is predicted to result in a frameshift and premature protein termination (p.Ser1099Glyfs*36). To our knowledge, this variant has not been reported in the literature or in a large population database, indicating this variant is rare. Frameshift variants in COL4A5 are expected to be pathogenic. This variant is interpreted as pathogenic.